The following is an entry in ClinVar:

ClinVar aggregate classification (germline): Uncertain significance (1 of 4 stars; one submission).

Conditions:
Hyperaldosteronism, familial, type IV (HALD4). Also called: FH IV; ALDOSTERONISM, PRIMARY, AND HYPERTENSION. Identifiers: Orphanet 642671, MedGen C4310756, MONDO:0014875, OMIM 617027.
Idiopathic generalized epilepsy. Also called: Generalised epilepsy; EIG. Identifiers: MedGen C0270850, MONDO:0005579, OMIM 600669.

gnomAD v4.1: 3 of 1,557,546 alleles (0.00019%); highest among the groups gnomAD compares: Non-Finnish European, 0.00026%; no homozygotes.

Submission:

Labcorp Genetics (formerly Invitae), Labcorp
Classification: Uncertain significance for Idiopathic generalized epilepsy; Hyperaldosteronism, familial, type IV. Last evaluated: 2024-03-03. Review status: criteria provided, single submitter. Criteria: Invitae Variant Classification Sherloc (09022015). Collection method: clinical testing. Allele origin: germline.
Comment: This sequence change replaces proline, which is neutral and non-polar, with glutamine, which is neutral and polar, at codon 640 of the CACNA1H protein (p.Pro640Gln). This variant is not present in population databases (gnomAD no frequency). This variant has not been reported in the literature in individuals affected with CACNA1H-related conditions. ClinVar contains an entry for this variant (Variation ID: 1363020). Advanced modeling of protein sequence and biophysical properties (such as structural, functional, and spatial information, amino acid conservation, physicochemical variation, residue mobility, and thermodynamic stability) performed at Invitae indicates that this missense variant is not expected to disrupt CACNA1H protein function with a negative predictive value of 80%. In summary, the available evidence is currently insufficient to determine the role of this variant in disease. Therefore, it has been classified as a Variant of Uncertain Significance.

NM_021098.3(CACNA1H):c.1919C>A (p.Pro640Gln)

Gene: CACNA1H (calcium voltage-gated channel subunit alpha1 H; plus strand). Cytogenetic location: 16p13.3.
Variant type: single nucleotide variant.
Coding change: c.1919C>A on transcript NM_021098.3 (MANE Select); coding-DNA position 1919, C replaced by A.
Protein change: p.Pro640Gln; replaces proline 640 with glutamine.
Molecular consequence: missense variant.
Genome position (GRCh38, 1-based): chr16:1,202,369, C>A. VCF-style: chr16-1202369-C-A. GRCh37 (hg19) VCF-style: chr16-1252369-C-A.
Other names: c.1919C>A, p.Pro640Gln (NM_001005407.2); short protein forms P640Q.
Identifiers: ClinVar variation 1363020 (VCV001363020.8), dbSNP rs61734410, ClinGen allele CA7800045.